The following is an entry in ClinVar:

ClinVar aggregate classification (germline): Uncertain significance (1 of 4 stars; one submission).

Allele frequency attached by ClinVar (database versions not stated): gnomAD exomes below 0.00001.
gnomAD v4.1: 5 of 1,614,142 alleles (0.00031%); highest among the groups gnomAD compares: Admixed American, 0.0017%; no homozygotes.

Submission:

Women's Health and Genetics/Laboratory Corporation of America, LabCorp
Classification: Uncertain significance. Last evaluated: 2024-01-16. Review status: criteria provided, single submitter. Criteria: LabCorp Variant Classification Summary - May 2015. Collection method: clinical testing. Allele origin: germline.
Comment: Variant summary: TRIO c.761G>A (p.Arg254Gln) results in a conservative amino acid change in the encoded protein sequence. Three of five in-silico tools predict a damaging effect of the variant on protein function. The variant was absent in 251258 control chromosomes (gnomAD). The available data on variant occurrences in the general population are insufficient to allow any conclusion about variant significance. To our knowledge, no occurrence of c.761G>A in individuals affected with TRIO-Related Intellectual Disability and no experimental evidence demonstrating its impact on protein function have been reported. No submitters have cited clinical-significance assessments for this variant to ClinVar. Based on the evidence outlined above, the variant was classified as uncertain significance.

NM_007118.4(TRIO):c.761G>A (p.Arg254Gln)

Gene: TRIO (trio Rho guanine nucleotide exchange factor; plus strand). Cytogenetic location: 5p15.2.
Variant type: single nucleotide variant.
Coding change: c.761G>A on transcript NM_007118.4 (MANE Select); coding-DNA position 761, G replaced by A.
Protein change: p.Arg254Gln; replaces arginine 254 with glutamine.
Molecular consequence: missense variant. On other transcripts: non-coding transcript variant (1).
Genome position (GRCh38, 1-based): chr5:14,290,936, G>A. VCF-style: chr5-14290936-G-A. GRCh37 (hg19) VCF-style: chr5-14291045-G-A.
Other names: short protein forms R254Q.
Identifiers: ClinVar variation 3063948 (VCV003063948.1), dbSNP rs928651686, ClinGen allele CA113957786.
Genomic context (GRCh38, chr5:14,290,936, plus strand): 5'-TGGAGGAACTTCAGGACATCCTAGCTAAGAAGGAGCTGCCTCAGGATTTAGAGGGGGCTC[G>A]GAATATGATCGAGGAACATTCTCAGCTGAAGAAGAAGGTGATTAAGGCCCCCATCGAGGA-3'
Protein context (NP_009049.2, residues 244-264): KELPQDLEGA[Arg254Gln]NMIEEHSQLK